The following is an entry in ClinVar:

ClinVar aggregate classification (germline): Uncertain significance (1 of 4 stars; one submission).

Conditions:
FADD-related immunodeficiency. Also called: Infections, recurrent, with encephalopathy, hepatic dysfunction, and cardiovascular malformations; FADD DEFICIENCY. Identifiers: Orphanet 306550, MedGen C3151062, MONDO:0013408, OMIM 613759.

Submission:

Labcorp Genetics (formerly Invitae), Labcorp
Classification: Uncertain significance for FADD-related immunodeficiency. Last evaluated: 2023-08-04. Review status: criteria provided, single submitter. Criteria: Invitae Variant Classification Sherloc (09022015). Collection method: clinical testing. Allele origin: germline.
Comment: ClinVar contains an entry for this variant (Variation ID: 1993314). Algorithms developed to predict the effect of missense changes on protein structure and function output the following: SIFT: "Not Available"; PolyPhen-2: "Benign"; Align-GVGD: "Not Available". The arginine amino acid residue is found in multiple mammalian species, which suggests that this missense change does not adversely affect protein function. In summary, the available evidence is currently insufficient to determine the role of this variant in disease. Therefore, it has been classified as a Variant of Uncertain Significance. This variant has not been reported in the literature in individuals affected with FADD-related conditions. This sequence change replaces lysine, which is basic and polar, with arginine, which is basic and polar, at codon 120 of the FADD protein (p.Lys120Arg). This variant is not present in population databases (gnomAD no frequency).

NM_003824.4(FADD):c.359A>G (p.Lys120Arg)

Gene: FADD (Fas associated via death domain; plus strand). Cytogenetic location: 11q13.3.
Variant type: single nucleotide variant.
Coding change: c.359A>G on transcript NM_003824.4 (MANE Select); coding-DNA position 359, A replaced by G.
Protein change: p.Lys120Arg; replaces lysine 120 with arginine.
Molecular consequence: missense variant.
Genome position (GRCh38, 1-based): chr11:70,206,205, A>G. VCF-style: chr11-70206205-A-G. GRCh37 (hg19) VCF-style: chr11-70052311-A-G.
Other names: short protein forms K120R.
Identifiers: ClinVar variation 1993314 (VCV001993314.4), dbSNP rs2497603466, ClinGen allele CA381666034.